The following is an entry in ClinVar:

ClinVar aggregate classification (germline): Uncertain significance (1 of 4 stars; one submission).

Conditions:
Oto-palato-digital syndrome, type II (OPD2). Also called: FACIOPALATOOSSEOUS SYNDROME; OPD II SYNDROME; Otopalatodigital Syndrome, Type II; Otopalatodigital Syndrome Type 2 (FLNA-OPD2). Identifiers: Orphanet 669, Orphanet 90652, MedGen C1844696, MONDO:0010571, OMIM 304120.
Heterotopia, periventricular, X-linked dominant (PVNH1). Also called: PERIVENTRICULAR NODULAR HETEROTOPIA 1; X-linked periventricular heterotopia; PERIVENTRICULAR NODULAR HETEROTOPIA 4; HETEROTOPIA, PERIVENTRICULAR, 1. Identifiers: Orphanet 2149, Orphanet 82004, MedGen C1848213, MONDO:0010233, OMIM 300049.
Frontometaphyseal dysplasia (FMD1). Identifiers: Orphanet 1826, MedGen C0265293, MONDO:0015942.
Melnick-Needles syndrome (MNS). Also called: MELNICK-NEEDLES OSTEODYSPLASTY; OSTEODYSPLASTY OF MELNICK AND NEEDLES; Melnick-Needles Syndrome (FLNA-MNS). Identifiers: Orphanet 2484, MedGen C0025237, MONDO:0010650, OMIM 309350.

Allele frequency attached by ClinVar (database versions not stated): gnomAD exomes below 0.00001.
gnomAD v4.1: 1 of 1,210,385 alleles (0.000083%); highest among the groups gnomAD compares: African/African-American, 0.0017%; no homozygotes.

Submission:

Labcorp Genetics (formerly Invitae), Labcorp
Classification: Uncertain significance for Oto-palato-digital syndrome, type II; Heterotopia, periventricular, X-linked dominant; Frontometaphyseal dysplasia; Melnick-Needles syndrome. Last evaluated: 2022-12-16. Review status: criteria provided, single submitter. Criteria: Invitae Variant Classification Sherloc (09022015). Collection method: clinical testing. Allele origin: germline.
Comment: In summary, the available evidence is currently insufficient to determine the role of this variant in disease. Therefore, it has been classified as a Variant of Uncertain Significance. Variants that disrupt the consensus splice site are a relatively common cause of aberrant splicing (PMID: 17576681, 9536098). Algorithms developed to predict the effect of sequence changes on RNA splicing suggest that this variant is not likely to affect RNA splicing. This variant has not been reported in the literature in individuals affected with FLNA-related conditions. This variant is not present in population databases (gnomAD no frequency). This sequence change falls in intron 28 of the FLNA gene. It does not directly change the encoded amino acid sequence of the FLNA protein. It affects a nucleotide within the consensus splice site.

Literature cited by the submitters: PubMed 17576681; PubMed 9536098.

NM_001110556.2(FLNA):c.4755+3G>C

Gene: FLNA (filamin A; minus strand). Cytogenetic location: Xq28.
Variant type: single nucleotide variant.
Coding change: c.4755+3G>C on transcript NM_001110556.2 (MANE Select); 3 bases into the intron after coding-DNA position 4755, G replaced by C.
Molecular consequence: intron variant.
Genome position (GRCh38, 1-based): chrX:154,358,196, C>G on the plus strand (G>C on the coding strand, the complement: FLNA is on the minus strand). VCF-style: chrX-154358196-C-G. GRCh37 (hg19) VCF-style: chrX-153586564-C-G.
Other names: c.4755+3G>C (NM_001456.4).
Identifiers: ClinVar variation 2942378 (VCV002942378.3), dbSNP rs2522734860, ClinGen allele CA2695112761.